The following is an entry in ClinVar:

ClinVar aggregate classification (germline): Pathogenic. Review status: criteria provided, multiple submitters, no conflicts (2 of 4 stars). 5 submissions from 5 submitters: Pathogenic (5). Last evaluated 2026-07-31.

Conditions:
Tay-Sachs disease (TSD). Also called: Hexosaminidase A Deficiency; GM2 gangliosidosis, type 1; Hexosaminidase alpha-subunit deficiency (variant B); Sphingolipidosis, Tay-Sachs; HEXA DEFICIENCY; HEXA Disorders. Identifiers: Orphanet 845, MedGen C0039373, MONDO:0010100, OMIM 272800.

Submissions (5):

Myriad Genetics, Inc.
Classification: Pathogenic for Tay-Sachs disease. Last evaluated: 2026-07-31. Review status: criteria provided, single submitter. Criteria: Myriad Autosomal Dominant, Autosomal Recessive and X-Linked Classification Criteria (2023). Collection method: clinical testing. Allele origin: unknown.
Comment: NM_000520.4(HEXA):c.1444G>T(E482*) is a nonsense variant classified as pathogenic in the context of hexosaminidase A deficiency. E482* has been observed in cases with relevant disease (PMID: 31388111, 39039281). Relevant functional assessments of this variant are not available in the literature. E482* has not been observed in referenced population frequency databases. In summary, NM_000520.4(HEXA):c.1444G>T(E482*) is a nonsense variant in a gene where loss of function is a known mechanism of disease, is predicted to disrupt protein function, and has been observed more frequently in cases with the relevant disease than in healthy populations. Please note: this variant was assessed in the context of healthy population screening.

Labcorp Genetics (formerly Invitae), Labcorp
Classification: Pathogenic for Tay-Sachs disease. Last evaluated: 2025-12-16. Review status: criteria provided, single submitter. Criteria: Invitae Variant Classification Sherloc (09022015). Collection method: clinical testing. Allele origin: germline.
Comment: This sequence change creates a premature translational stop signal (p.Glu482*) in the HEXA gene. It is expected to result in an absent or disrupted protein product. Loss-of-function variants in HEXA are known to be pathogenic (PMID: 1833974, 8490625). This variant is not present in population databases (gnomAD no frequency). This premature translational stop signal has been observed in individual(s) with Tay-Sachs disease (PMID: 31388111). ClinVar contains an entry for this variant (Variation ID: 918075). Algorithms developed to predict the effect of sequence changes on RNA splicing suggest that this variant may disrupt the consensus splice site. For these reasons, this variant has been classified as Pathogenic.

Natera, Inc.
Classification: Pathogenic for Tay-Sachs disease. Last evaluated: 2024-12-11. Review status: criteria provided, single submitter. Criteria: Natera Variant Classification Schema (03/2026). Collection method: clinical testing. Allele origin: germline.
Comment: The c.1444G>T variant in HEXA is a nonsense variant predicted to introduce a stop codon at amino acid 482. This variant is expected to result in nonsense mediated decay, truncation, or a dysfunctional protein product. This variant is rare in the general population with a frequency below the threshold expected for the associated phenotype(s). This variant has been observed in one or more individuals affected with the associated recessive disease, as either homozygous or compound heterozygous with a second variant (PMID: 31388111). Given the available evidence, this variant is classified as Pathogenic.

Mayo Clinic Laboratories, Mayo Clinic
Classification: Pathogenic. Last evaluated: 2024-05-09. Review status: criteria provided, single submitter. Criteria: ACMG Guidelines, 2015. Collection method: clinical testing. Allele origin: germline. Observed: 1 variant allele.
Comment: PP4, PM3, PVS1

Institute for Genomic Statistics and Bioinformatics, University Hospital Bonn
Classification: Pathogenic for Tay-Sachs disease. Review status: criteria provided, single submitter. Criteria: ACMG Guidelines, 2015. Collection method: clinical testing. Allele origin: germline. Inheritance: Autosomal recessive inheritance. Affected: yes. Observed: 1 compound heterozygote.
Comment: This variant is not listed in the population-based databases. In the phenotype-related database HGMD it is listed as pathogenic (PubMed: 31388111), in the other phenotype-related databases this nonsense variant is not listed. The ACMG classification for this variant is: pathogenic (class 5: PVS1, PM2, PP5)

Literature cited by the submitters: PubMed 31388111 (cited by 4 submitters); PubMed 39039281 (cited by Myriad Genetics, Inc.); PubMed 1833974 (cited by Labcorp Genetics (formerly Invitae), Labcorp); PubMed 8490625 (cited by Labcorp Genetics (formerly Invitae), Labcorp).

NM_000520.6(HEXA):c.1444G>T (p.Glu482Ter)

Gene: HEXA (hexosaminidase subunit alpha; minus strand). Cytogenetic location: 15q23.
Variant type: single nucleotide variant.
Coding change: c.1444G>T on transcript NM_000520.6 (MANE Select); coding-DNA position 1444, G replaced by T.
Protein change: p.Glu482Ter; replaces glutamic acid 482 with a stop codon.
Molecular consequence: nonsense. On other transcripts: non-coding transcript variant (1).
Genome position (GRCh38, 1-based): chr15:72,345,528, C>A on the plus strand (G>T on the coding strand, the complement: HEXA is on the minus strand). VCF-style: chr15-72345528-C-A. GRCh37 (hg19) VCF-style: chr15-72637869-C-A.
Other names: p.Glu482*; c.1477G>T, p.Glu493Ter (NM_001318825.2); short protein forms E482*, E493*.
Identifiers: ClinVar variation 918075 (VCV000918075.7), dbSNP rs121907952, ClinGen allele CA272609180.